The following is an entry in ClinVar:

ClinVar aggregate classification (germline): Uncertain significance. Review status: criteria provided, multiple submitters, no conflicts (2 of 4 stars). 2 submissions from 2 submitters: Uncertain significance (2). Last evaluated 2023-12-17.

Conditions:
Inborn genetic diseases. Identifiers: MedGen C0950123, MeSH D030342.

Allele frequency attached by ClinVar (database versions not stated): ExAC 0.00001; TOPMed 0.00002; gnomAD 0.00003.
gnomAD v4.1: 73 of 1,613,902 alleles (0.0045%); highest among the groups gnomAD compares: Non-Finnish European, 0.0054%; no homozygotes.

Submissions (2):

Ambry Genetics
Classification: Uncertain significance for Inborn genetic diseases. Last evaluated: 2023-12-17. Review status: criteria provided, single submitter. Criteria: Ambry Variant Classification Scheme 2023. Collection method: clinical testing. Allele origin: germline.

Labcorp Genetics (formerly Invitae), Labcorp
Classification: Uncertain significance. Last evaluated: 2023-08-09. Review status: criteria provided, single submitter. Criteria: Invitae Variant Classification Sherloc (09022015). Collection method: clinical testing. Allele origin: germline.
Comment: In summary, the available evidence is currently insufficient to determine the role of this variant in disease. Therefore, it has been classified as a Variant of Uncertain Significance. Algorithms developed to predict the effect of sequence changes on RNA splicing suggest that this variant may create or strengthen a splice site. An algorithm developed to predict the effect of missense changes on protein structure and function (PolyPhen-2) suggests that this variant is likely to be disruptive. This variant has not been reported in the literature in individuals affected with TFRC-related conditions. This variant is present in population databases (rs763556153, gnomAD 0.009%). This sequence change replaces alanine, which is neutral and non-polar, with serine, which is neutral and polar, at codon 72 of the TFRC protein (p.Ala72Ser).

NM_001128148.3(TFRC):c.214G>T (p.Ala72Ser)

Gene: TFRC (transferrin receptor; minus strand). Cytogenetic location: 3q29.
Variant type: single nucleotide variant.
Coding change: c.214G>T on transcript NM_001128148.3 (MANE Select); coding-DNA position 214, G replaced by T.
Protein change: p.Ala72Ser; replaces alanine 72 with serine.
Molecular consequence: missense variant. On other transcripts: intron variant (2).
Genome position (GRCh38, 1-based): chr3:196,075,183, C>A on the plus strand (G>T on the coding strand, the complement: TFRC is on the minus strand). VCF-style: chr3-196075183-C-A. GRCh37 (hg19) VCF-style: chr3-195802054-C-A.
Other names: c.214G>T (NM_003234.2); c.214G>T, p.Ala72Ser (NM_003234.4); c.-413+1881G>T (NM_001313966.2); c.-5-1058G>T (NM_001313965.2); short protein forms A72S.
Identifiers: ClinVar variation 2997999 (VCV002997999.4), dbSNP rs763556153, ClinGen allele CA2778375.
Genomic context (GRCh38, chr3:196,075,183, plus strand): 5'-ATAGAAAACATTGAAGTTTGGAATGGTCATTCTCACCAATCAAGAAAAAGACGATCACAG[C>A]AATAGTCCCATAGCAGATACTTCCACTACACCTTTTTGGTTTTGTGACATTGGCCTTTGT-3'
Protein context (NP_001121620.1, residues 62-82): CSGSICYGTI[Ala72Ser]VIVFFLIGFM